The following is an entry in ClinVar:

NM_000170.3(GLDC):c.726C>T (p.Val242=)

Gene: GLDC (glycine decarboxylase; minus strand). Cytogenetic location: 9p24.1.
Variant type: single nucleotide variant.
Coding change: c.726C>T on transcript NM_000170.3 (MANE Select); coding-DNA position 726, C replaced by T.
Protein change: p.Val242=; no amino-acid change (valine 242 retained).
Molecular consequence: synonymous variant.
Genome position (GRCh38, 1-based): chr9:6,605,266, G>A on the plus strand (C>T on the coding strand, the complement: GLDC is on the minus strand). VCF-style: chr9-6605266-G-A. GRCh37 (hg19) VCF-style: chr9-6605266-G-A.
Identifiers: ClinVar variation 1132513 (VCV001132513.33), dbSNP rs377750481, ClinGen allele CA188684857.

ClinVar aggregate classification (germline): Likely benign. Review status: criteria provided, multiple submitters, no conflicts (2 of 4 stars). 2 submissions from 2 submitters: Likely benign (2). Last evaluated 2023-12-10.

Conditions:
Glycine encephalopathy. Also called: Non-ketotic hyperglycinemia; Nonketotic hyperglycinemia. Identifiers: Orphanet 407, MedGen C0751748, MONDO:0011612, HP:0008288.

Allele frequency attached by ClinVar (database versions not stated): ESP Exome Variant Server 0.00008.
gnomAD v4.1: 11 of 1,613,752 alleles (0.00068%); highest among the groups gnomAD compares: Non-Finnish European, 0.00085%; no homozygotes.

Submissions (2):

Labcorp Genetics (formerly Invitae), Labcorp
Classification: Likely benign for Glycine encephalopathy. Last evaluated: 2023-12-10. Review status: criteria provided, single submitter. Criteria: Invitae Variant Classification Sherloc (09022015). Collection method: clinical testing. Allele origin: germline.

CeGaT Center for Human Genetics Tuebingen
Classification: Likely benign. Last evaluated: 2022-06-01. Review status: criteria provided, single submitter. Criteria: CeGaT Center For Human Genetics Tuebingen Variant Classification Criteria Version 2. Collection method: clinical testing. Allele origin: germline. Affected: yes. Observed: 1 variant allele.
Comment: GLDC: BP4, BP7